The following is an entry in ClinVar:

NM_001267550.2(TTN):c.11312-5127del

Gene: TTN (titin; minus strand). Cytogenetic location: 2q31.2.
Variant type: Deletion.
Coding change: c.11312-5127del on transcript NM_001267550.2 (MANE Select); 5127 bases into the intron before coding-DNA position 11312, one base deleted (T; older notation c.11312-5127delT).
Molecular consequence: intron variant. On other transcripts: frameshift variant (1).
Genome position (GRCh38, 1-based): chr2:178,747,048, A deleted on the plus strand (T on the coding strand, the reverse complement: TTN is on the minus strand); the first of 2 consecutive A bases (chr2:178,747,048-178,747,049); deleting either gives the same sequence. VCF-style (leftmost placement, unchanged base first): chr2-178747047-GA-G. GRCh37 (hg19) VCF-style: chr2-179611774-GA-G.
Other names: c.15352del, p.Ser5118fs (NM_133379.5); c.10223-5127del (NM_003319.4); c.10799-5127del (NM_133437.4); c.10598-5127del (NM_133432.3); c.10360+6076del (NM_133378.4); c.10361-5127del (NM_001256850.1); c.10360+6076delT (NM_133378.4); short protein forms S5118fs.
Identifiers: ClinVar variation 3907484 (VCV003907484.1).

ClinVar aggregate classification (germline): Uncertain significance (1 of 4 stars; one submission).

Submission:

Women's Health and Genetics/Laboratory Corporation of America, LabCorp
Classification: Uncertain significance. Last evaluated: 2025-06-02. Review status: criteria provided, single submitter. Criteria: LabCorp Variant Classification Summary - May 2015. Collection method: clinical testing. Allele origin: germline.
Comment: Variant summary: TTN c.10360+6076delT is located at a position not widely known to affect splicing. This variant corresponds to c.15352delT (p.Ser5118LeufsX20) in NM_133379. Consensus agreement among computation tools predict no significant impact on normal splicing. However, these predictions have yet to be confirmed by functional studies. Loss of function variants in all TTN bands are strongly associated with a spectrum of autosomal recessive titinopathies when exon expression (proportion spliced in, PSI, 1=complete expression) in skeletal muscle is >0.1 (PMID: 36977548, 39198997, 29598826, 32778822, 29691892, 33449170, 36977548, internal data). In contrast, loss of function variants in all TTN bands are only strongly associated with autosomal dominant TTN-related cardiomyopathies if located in exons constitutively expressed (PSI >0.9) in cardiac muscle, excluding extreme C-terminal exons 359-363 (PMID: 25589632, 31216868, 32964742, 34662387, 27869827, Shetty et al., Nat Cardiovasc Res 2024,, internal data). This variant has a maximum skeletal muscle PSI of 0.02 and a maximum cardiac muscle PSI of 0.035. The variant was absent in 1613224 control chromosomes. The available data on variant occurrences in the general population are insufficient to allow any conclusion about variant significance. To our knowledge, no occurrence of c.10360+6076delT in individuals affected with Autosomal Recessive Titinopathy and no experimental evidence demonstrating its impact on protein function have been reported. No submitters have cited clinical-significance assessments for this variant to ClinVar. Based on the evidence outlined above, the variant was classified as uncertain significance due to lack of clinical evidence in a low PSI exon.